The following is an entry in ClinVar:

NM_000059.4(BRCA2):c.9730G>C (p.Val3244Leu)

Gene: BRCA2 (BRCA2 DNA repair associated; plus strand). Cytogenetic location: 13q13.1.
Variant type: single nucleotide variant.
Coding change: c.9730G>C on transcript NM_000059.4 (MANE Select); coding-DNA position 9730, G replaced by C.
Protein change: p.Val3244Leu; replaces valine 3244 with leucine.
Molecular consequence: missense variant.
Genome position (GRCh38, 1-based): chr13:32,398,243, G>C. VCF-style: chr13-32398243-G-C. GRCh37 (hg19) VCF-style: chr13-32972380-G-C.
Other names: short protein forms V3244L.
Identifiers: ClinVar variation 462534 (VCV000462534.18), dbSNP rs11571831, ClinGen allele CA387765517.

ClinVar aggregate classification (germline): Uncertain significance. Review status: criteria provided, multiple submitters, no conflicts (2 of 4 stars). 4 submissions from 4 submitters: Uncertain significance (4). Last evaluated 2025-11-17.

Conditions:
Hereditary breast ovarian cancer syndrome. Also called: Hereditary breast and ovarian cancer syndrome (HBOC); Hereditary breast and ovarian cancer syndrome; Breast and ovarian cancer; Hereditary breast and/or ovarian cancer syndrome; Hereditary breast and ovarian cancer; BRCA1- and BRCA2-Associated Hereditary Breast and Ovarian Cancer. Identifiers: Orphanet 145, MedGen C0677776, MeSH D061325, MONDO:0003582. Disease mechanism: loss of function.
Hereditary cancer-predisposing syndrome. Also called: Neoplastic Syndromes, Hereditary; Hereditary Cancer Syndrome; Hereditary neoplastic syndrome; Tumor predisposition. Identifiers: Orphanet 140162, MedGen C0027672, MeSH D009386, MONDO:0015356.

gnomAD v4.1: 1 of 1,614,000 alleles (0.000062%); highest among the groups gnomAD compares: Admixed American, 0.0017%; no homozygotes.

Submissions (4):

Ambry Genetics
Classification: Uncertain significance for Hereditary cancer-predisposing syndrome. Last evaluated: 2025-11-17. Review status: criteria provided, single submitter. Criteria: Ambry Variant Classification Scheme 2023. Collection method: clinical testing. Allele origin: germline.
Comment: The p.V3244L variant (also known as c.9730G>C), located in coding exon 26 of the BRCA2 gene, results from a G to C substitution at nucleotide position 9730. The valine at codon 3244 is replaced by leucine, an amino acid with highly similar properties. This amino acid position is not well conserved in available vertebrate species. In addition, this alteration is predicted to be tolerated by in silico analysis. Since supporting evidence is limited at this time, the clinical significance of this alteration remains unclear.

Labcorp Genetics (formerly Invitae), Labcorp
Classification: Uncertain significance for Hereditary breast ovarian cancer syndrome. Last evaluated: 2025-06-30. Review status: criteria provided, single submitter. Criteria: Invitae Variant Classification Sherloc (09022015). Collection method: clinical testing. Allele origin: germline.
Comment: This sequence change replaces valine, which is neutral and non-polar, with leucine, which is neutral and non-polar, at codon 3244 of the BRCA2 protein (p.Val3244Leu). This variant is not present in population databases (gnomAD no frequency). This variant has not been reported in the literature in individuals affected with BRCA2-related conditions. ClinVar contains an entry for this variant (Variation ID: 462534). Invitae Evidence Modeling of protein sequence and biophysical properties (such as structural, functional, and spatial information, amino acid conservation, physicochemical variation, residue mobility, and thermodynamic stability) indicates that this missense variant is not expected to disrupt BRCA2 protein function with a negative predictive value of 95%. In summary, the available evidence is currently insufficient to determine the role of this variant in disease. Therefore, it has been classified as a Variant of Uncertain Significance.

Quest Diagnostics Nichols Institute San Juan Capistrano
Classification: Uncertain significance. Last evaluated: 2020-07-30. Review status: criteria provided, single submitter. Criteria: Quest Diagnostics criteria. Collection method: clinical testing. Allele origin: unknown.

Color Diagnostics, LLC DBA Color Health
Classification: Uncertain significance for Hereditary cancer-predisposing syndrome. Last evaluated: 2019-12-02. Review status: criteria provided, single submitter. Criteria: ACMG Guidelines, 2015. Collection method: clinical testing. Allele origin: germline.
Comment: This missense variant replaces valine with leucine at codon 3244 of the BRCA2 protein. Computational prediction suggests that this variant may not impact protein structure and function (internally defined REVEL score threshold <= 0.5, PMID: 27666373). Splice site prediction tools suggest that this variant may not impact RNA splicing. To our knowledge, functional studies have not been performed for this variant. This variant has not been reported in individuals affected with hereditary cancer in the literature. This variant has not been identified in the general population by the Genome Aggregation Database (gnomAD). The available evidence is insufficient to determine the role of this variant in disease conclusively. Therefore, this variant is classified as a Variant of Uncertain Significance.